The following is an entry in ClinVar:

ClinVar aggregate classification (germline): Uncertain significance (1 of 4 stars; one submission).

Submission:

Labcorp Genetics (formerly Invitae), Labcorp
Classification: Uncertain significance. Last evaluated: 2025-09-07. Review status: criteria provided, single submitter. Criteria: Invitae Variant Classification Sherloc (09022015). Collection method: clinical testing. Allele origin: germline.
Comment: This sequence change replaces isoleucine, which is neutral and non-polar, with asparagine, which is neutral and polar, at codon 584 of the ABCA4 protein (p.Ile584Asn). This variant is not present in population databases (gnomAD no frequency). This variant has not been reported in the literature in individuals affected with ABCA4-related conditions. Invitae Evidence Modeling of protein sequence and biophysical properties (such as structural, functional, and spatial information, amino acid conservation, physicochemical variation, residue mobility, and thermodynamic stability) indicates that this missense variant is expected to disrupt ABCA4 protein function with a positive predictive value of 95%. In summary, the available evidence is currently insufficient to determine the role of this variant in disease. Therefore, it has been classified as a Variant of Uncertain Significance.

NM_000350.3(ABCA4):c.1751T>A (p.Ile584Asn)

Gene: ABCA4 (ATP binding cassette subfamily A member 4; minus strand). Cytogenetic location: 1p22.1.
Variant type: single nucleotide variant.
Coding change: c.1751T>A on transcript NM_000350.3 (MANE Select); coding-DNA position 1751, T replaced by A.
Protein change: p.Ile584Asn; replaces isoleucine 584 with asparagine.
Molecular consequence: missense variant.
Genome position (GRCh38, 1-based): chr1:94,063,121, A>T on the plus strand (T>A on the coding strand, the complement: ABCA4 is on the minus strand). VCF-style: chr1-94063121-A-T. GRCh37 (hg19) VCF-style: chr1-94528677-A-T.
Other names: c.1751T>A, p.Ile584Asn (NM_001425324.1); short protein forms I584N.
Identifiers: ClinVar variation 4803886 (VCV004803886.1).
Genomic context (GRCh38, chr1:94,063,121, plus strand): 5'-AATTTCCCACTGACTTTGGAGAAATGCAGCGAGCCCTTCCTGAAACATCACCTGTCTTTA[A>T]TCTTATTGGTTTTCTCCACCACGTCTATGTCCATTCGGATCTTATACTTCACGTGGGGTG-3'
Protein context (NP_000341.2, residues 574-594): DIDVVEKTNK[Ile584Asn]KDRYWDSGPR